The following is an entry in ClinVar:

ClinVar aggregate classification (germline): Likely benign. Review status: criteria provided, multiple submitters, no conflicts (2 of 4 stars). 2 submissions from 2 submitters: Likely benign (2). Last evaluated 2026-01-01.

gnomAD v4.1: 2 of 1,614,160 alleles (0.00012%); highest among the groups gnomAD compares: Admixed American, 0.0033%; no homozygotes.

Submissions (2):

CeGaT Center for Human Genetics Tuebingen
Classification: Likely benign. Last evaluated: 2026-01-01. Review status: criteria provided, single submitter. Criteria: CeGaT Center For Human Genetics Tuebingen Variant Classification Criteria Version 2. Collection method: clinical testing. Allele origin: germline. Affected: yes. Observed: 1 variant allele.
Comment: PTPN23: BP4, BP7

Labcorp Genetics (formerly Invitae), Labcorp
Classification: Likely benign. Last evaluated: 2024-06-17. Review status: criteria provided, single submitter. Criteria: Invitae Variant Classification Sherloc (09022015). Collection method: clinical testing. Allele origin: germline.

NM_015466.4(PTPN23):c.1554C>T (p.Ala518=)

Gene: PTPN23 (protein tyrosine phosphatase non-receptor type 23; plus strand). Cytogenetic location: 3p21.31.
Variant type: single nucleotide variant.
Coding change: c.1554C>T on transcript NM_015466.4 (MANE Select); coding-DNA position 1554, C replaced by T.
Protein change: p.Ala518=; no amino-acid change (alanine 518 retained).
Molecular consequence: synonymous variant.
Genome position (GRCh38, 1-based): chr3:47,408,999, C>T. VCF-style: chr3-47408999-C-T. GRCh37 (hg19) VCF-style: chr3-47450489-C-T.
Other names: c.1176C>T, p.Ala392= (NM_001304482.2).
Identifiers: ClinVar variation 3679300 (VCV003679300.6).